The following is an entry in ClinVar:

ClinVar aggregate classification (germline): Benign/Likely benign. Review status: criteria provided, multiple submitters, no conflicts (2 of 4 stars). 7 submissions from 7 submitters: Benign (4); Likely benign (3). Last evaluated 2026-01-13.

Conditions:
Brain small vessel disease 2A, autosomal dominant. Also called: Porencephaly 2. Identifiers: Orphanet 2940, Orphanet 99810, MedGen C3280970, MONDO:0013773, OMIM 614483.

Allele frequency attached by ClinVar (database versions not stated): ExAC 0.00151; ESP Exome Variant Server 0.00375; gnomAD 0.00457 and 0.00490; TOPMed 0.00536; 1000 Genomes Project 0.00539; 1000 Genomes Project 30x 0.00547.
gnomAD v4.1: 1,708 of 1,614,264 alleles (0.11%); highest among the groups gnomAD compares: African/African-American, 1.5%; 8 homozygotes.

Submissions (7):

Labcorp Genetics (formerly Invitae), Labcorp
Classification: Benign. Last evaluated: 2026-01-13. Review status: criteria provided, single submitter. Criteria: Invitae Variant Classification Sherloc (09022015). Collection method: clinical testing. Allele origin: germline.

Blueprint Genetics
Classification: Likely benign. Last evaluated: 2024-11-08. Review status: criteria provided, single submitter. Criteria: ACMG Guidelines, 2015. Collection method: clinical testing. Allele origin: germline.

Mayo Clinic Laboratories, Mayo Clinic
Classification: Benign. Last evaluated: 2023-12-20. Review status: criteria provided, single submitter. Criteria: ACMG Guidelines, 2015. Collection method: clinical testing. Allele origin: germline. Observed: 3 variant alleles.
Comment: BA1, BS2

CeGaT Center for Human Genetics Tuebingen
Classification: Benign. Last evaluated: 2023-09-01. Review status: criteria provided, single submitter. Criteria: CeGaT Center For Human Genetics Tuebingen Variant Classification Criteria Version 2. Collection method: clinical testing. Allele origin: germline. Affected: yes. Observed: 2 variant alleles.
Comment: COL4A2: BP4, BS1, BS2

GeneDx
Classification: Likely benign. Last evaluated: 2021-06-02. Review status: criteria provided, single submitter. Criteria: GeneDx Variant Classification Process June 2021. Collection method: clinical testing. Allele origin: germline. Affected: yes.

Illumina Laboratory Services, Illumina
Classification: Benign for Brain small vessel disease 2A, autosomal dominant. Last evaluated: 2018-01-12. Review status: criteria provided, single submitter. Criteria: ICSL Variant Classification Criteria 13 December 2019. Collection method: clinical testing. Allele origin: germline.
Comment: This variant was observed in the ICSL laboratory as part of a predisposition screen in an ostensibly healthy population. It had not been previously curated by ICSL or reported in the Human Gene Mutation Database (HGMD: prior to June 1st, 2018), and was therefore a candidate for classification through an automated scoring system. Utilizing variant allele frequency, disease prevalence and penetrance estimates, and inheritance mode, an automated score was calculated to assess if this variant is too frequent to cause the disease. Based on the score and internal cut-off values, a variant classified as benign is not then subjected to further curation. The score for this variant resulted in a classification of benign for this disease.

Breakthrough Genomics
Classification: Likely benign. Review status: criteria provided, single submitter. Criteria: ACMG Guidelines, 2015. Collection method: not provided. Allele origin: germline. Inheritance: Autosomal dominant inheritance. Affected: yes.

NM_001846.4(COL4A2):c.1655C>A (p.Thr552Lys)

Genes: COL4A2 (collagen type IV alpha 2 chain; plus strand), COL4A2-AS2 (COL4A2 antisense RNA 2; minus strand). Cytogenetic location: 13q34.
Variant type: single nucleotide variant.
Coding change: c.1655C>A on transcript NM_001846.4 (MANE Select); coding-DNA position 1655, C replaced by A.
Protein change: p.Thr552Lys; replaces threonine 552 with lysine.
Molecular consequence: missense variant.
Genome position (GRCh38, 1-based): chr13:110,462,172, C>A. VCF-style: chr13-110462172-C-A. GRCh37 (hg19) VCF-style: chr13-111114519-C-A.
Other names: p.Thr552Lys; short protein forms T552K.
Identifiers: ClinVar variation 311130 (VCV000311130.45), dbSNP rs112262533, ClinGen allele CA7049656.
Genomic context (GRCh38, chr13:110,462,172, plus strand): 5'-AGGGAGTGCCTGGCAACATTGGTGCTCCCGGACCCAAAGGAGCAAAAGGAGATTCCAGAA[C>A]AATCACAACCAAAGGTGAGTTCCTCTCTGGCCACGCGGCCCCTGGGGCACTGAGCCTTCC-3'
Protein context (NP_001837.2, residues 542-562): GPKGAKGDSR[Thr552Lys]ITTKGERGQP